The following is an entry in ClinVar:

ClinVar aggregate classification (germline): Likely benign (1 of 4 stars; one submission).

Allele frequency attached by ClinVar (database versions not stated): 1000 Genomes Project 0.02436; 1000 Genomes Project 30x 0.02545; TOPMed 0.02831; gnomAD 0.02911 and 0.03010.
gnomAD v4.1: 4,423 of 152,304 alleles (2.9%); highest among the groups gnomAD compares: African/African-American, 4.9%; 91 homozygotes.

Submission:

GeneDx
Classification: Likely benign. Last evaluated: 2018-06-16. Review status: criteria provided, single submitter. Criteria: GeneDx Variant Classification (06012015). Collection method: clinical testing. Allele origin: germline. Affected: yes.
Comment: This variant is considered likely benign or benign based on one or more of the following criteria: it is a conservative change, it occurs at a poorly conserved position in the protein, it is predicted to be benign by multiple in silico algorithms, and/or has population frequency not consistent with disease.

NM_182961.4(SYNE1):c.5268-206A>T

Gene: SYNE1 (spectrin repeat containing nuclear envelope protein 1; minus strand). Cytogenetic location: 6q25.2.
Variant type: single nucleotide variant.
Coding change: c.5268-206A>T on transcript NM_182961.4 (MANE Select); 206 bases into the intron before coding-DNA position 5268, A replaced by T.
Molecular consequence: intron variant.
Genome position (GRCh38, 1-based): chr6:152,419,928, T>A on the plus strand (A>T on the coding strand, the complement: SYNE1 is on the minus strand). VCF-style: chr6-152419928-T-A. GRCh37 (hg19) VCF-style: chr6-152741063-T-A.
Other names: c.5289-206A>T (NM_033071.5).
Identifiers: ClinVar variation 674782 (VCV000674782.1), dbSNP rs77675469, ClinGen allele CA150209639.